The following is an entry in ClinVar:

NM_032273.4(TMEM126A):c.154dup (p.Ser52fs)

Gene: TMEM126A (transmembrane protein 126A; plus strand). Cytogenetic location: 11q14.1.
Variant type: Duplication.
Coding change: c.154dup on transcript NM_032273.4 (MANE Select); coding-DNA position 154, one base duplicated (A; older notation c.154dupA).
Protein change: p.Ser52fs; shifts the reading frame from serine 52.
Molecular consequence: frameshift variant. On other transcripts: 5 prime UTR variant (1).
Genome position (GRCh38, 1-based): chr11:85,654,130, A duplicated. VCF-style (leftmost placement, unchanged base first): chr11-85654129-C-CA. GRCh37 (hg19) VCF-style: chr11-85365173-C-CA.
Other names: c.-57dup (NM_001244735.2); short protein forms S52fs.
Identifiers: ClinVar variation 1044360 (VCV001044360.9), dbSNP rs2082520628, ClinGen allele CA940365239.

ClinVar aggregate classification (germline): Pathogenic/Likely pathogenic. Review status: criteria provided, multiple submitters, no conflicts (2 of 4 stars). 2 submissions from 2 submitters: Pathogenic (1); Likely pathogenic (1). Last evaluated 2024-02-26.

Conditions:
TMEM126A-related disorder. Also called: TMEM126A-related condition.

Allele frequency attached by ClinVar (database versions not stated): gnomAD exomes below 0.00001; TOPMed below 0.00001; gnomAD 0.00001.

Submissions (2):

Blueprint Genetics
Classification: Likely pathogenic for TMEM126A-related disorders. Last evaluated: 2024-02-26. Review status: criteria provided, single submitter. Criteria: ACMG Guidelines, 2015. Collection method: clinical testing. Allele origin: germline. Affected: yes. Observed: 4 variant alleles.

Labcorp Genetics (formerly Invitae), Labcorp
Classification: Pathogenic. Last evaluated: 2022-10-03. Review status: criteria provided, single submitter. Criteria: Invitae Variant Classification Sherloc (09022015). Collection method: clinical testing. Allele origin: germline.
Comment: For these reasons, this variant has been classified as Pathogenic. This sequence change creates a premature translational stop signal (p.Ser52Lysfs*44) in the TMEM126A gene. It is expected to result in an absent or disrupted protein product. Loss-of-function variants in TMEM126A are known to be pathogenic (PMID: 19327736). This variant is not present in population databases (gnomAD no frequency). This variant has not been reported in the literature in individuals affected with TMEM126A-related conditions. ClinVar contains an entry for this variant (Variation ID: 1044360).

Literature cited by the submitters: PubMed 19327736 (cited by Labcorp Genetics (formerly Invitae), Labcorp).